The following is an entry in ClinVar:

NM_001080467.3(MYO5B):c.*99A>C

Genes: SNHG22 (small nucleolar RNA host gene 22; plus strand), MYO5B (myosin VB; minus strand). Cytogenetic location: 18q21.1.
Variant type: single nucleotide variant.
Coding change: c.*99A>C on transcript NM_001080467.3 (MANE Select); 99 bases downstream of the stop codon, A replaced by C.
Molecular consequence: 3 prime UTR variant.
Genome position (GRCh38, 1-based): chr18:49,826,372, T>G on the plus strand (A>C on the coding strand, the complement: MYO5B is on the minus strand). VCF-style: chr18-49826372-T-G. GRCh37 (hg19) VCF-style: chr18-47352742-T-G.
Identifiers: ClinVar variation 326996 (VCV000326996.6), dbSNP rs11874243, ClinGen allele CA10641555.

ClinVar aggregate classification (germline): Benign. Review status: criteria provided, multiple submitters, no conflicts (2 of 4 stars). 2 submissions from 2 submitters: Benign (2). Last evaluated 2018-01-13.

Conditions:
Congenital microvillous atrophy (DIAR2). Also called: DAVIDSON DISEASE; MICROVILLUS ATROPHY, CONGENITAL; Microvillus inclusion disease; Diarrhea 2 with microvillus atrophy, with or without cholestasis; CONGENITAL FAMILIAL PROTRACTED DIARRHEA WITH ENTEROCYTE BRUSH-BORDER ABNORMALITIES. Identifiers: Orphanet 2290, MedGen C0341306, MONDO:0009635, OMIM 251850.

Allele frequency attached by ClinVar (database versions not stated): 1000 Genomes Project 0.01657; 1000 Genomes Project 30x 0.02108.
gnomAD v4.1: 4,845 of 1,386,964 alleles (0.35%); highest among the groups gnomAD compares: African/African-American, 5.1%; 100 homozygotes.

Submissions (2):

Illumina Laboratory Services, Illumina
Classification: Benign for Congenital microvillous atrophy. Last evaluated: 2018-01-13. Review status: criteria provided, single submitter. Criteria: ICSL Variant Classification Criteria 13 December 2019. Collection method: clinical testing. Allele origin: germline.
Comment: This variant was observed in the ICSL laboratory as part of a predisposition screen in an ostensibly healthy population. It had not been previously curated by ICSL or reported in the Human Gene Mutation Database (HGMD: prior to June 1st, 2018), and was therefore a candidate for classification through an automated scoring system. Utilizing variant allele frequency, disease prevalence and penetrance estimates, and inheritance mode, an automated score was calculated to assess if this variant is too frequent to cause the disease. Based on the score and internal cut-off values, a variant classified as benign is not then subjected to further curation. The score for this variant resulted in a classification of benign for this disease.

Breakthrough Genomics
Classification: Benign. Review status: criteria provided, single submitter. Criteria: ACMG Guidelines, 2015. Collection method: not provided. Allele origin: germline. Inheritance: Autosomal recessive inheritance. Affected: yes.